The following is an entry in ClinVar:

NM_001367561.1(DOCK7):c.1519+1G>A

Gene: DOCK7 (dedicator of cytokinesis 7; minus strand). Cytogenetic location: 1p31.3.
Variant type: single nucleotide variant.
Coding change: c.1519+1G>A on transcript NM_001367561.1 (MANE Select); the canonical splice donor site of the intron after coding-DNA position 1519, G replaced by A.
Molecular consequence: splice donor variant.
Genome position (GRCh38, 1-based): chr1:62,619,899, C>T on the plus strand (G>A on the coding strand, the complement: DOCK7 is on the minus strand). VCF-style: chr1-62619899-C-T. GRCh37 (hg19) VCF-style: chr1-63085570-C-T.
Other names: c.1519+1G>A (NM_001272002.2, NM_001272001.2, NM_001272000.2 and 3 more transcripts).
Identifiers: ClinVar variation 2815419 (VCV002815419.3), dbSNP rs2522881050, ClinGen allele CA340614027.

ClinVar aggregate classification (germline): Likely pathogenic (1 of 4 stars; one submission).

Conditions:
Developmental and epileptic encephalopathy, 23 (DEE23). Also called: Epileptic encephalopathy, early infantile, 23. Identifiers: Orphanet 411986, MedGen C4014492, MONDO:0014371, OMIM 615859.

Allele frequency attached by ClinVar (database versions not stated): gnomAD exomes below 0.00001.
gnomAD v4.1: 1 of 1,603,504 alleles (0.000062%); highest among the groups gnomAD compares: African/African-American, 0.0013%; no homozygotes.

Submission:

Labcorp Genetics (formerly Invitae), Labcorp
Classification: Likely pathogenic for Developmental and epileptic encephalopathy, 23. Last evaluated: 2023-06-29. Review status: criteria provided, single submitter. Criteria: Invitae Variant Classification Sherloc (09022015). Collection method: clinical testing. Allele origin: germline.
Comment: Algorithms developed to predict the effect of sequence changes on RNA splicing suggest that this variant may disrupt the consensus splice site. This variant has not been reported in the literature in individuals affected with DOCK7-related conditions. This variant is not present in population databases (gnomAD no frequency). This sequence change affects a donor splice site in intron 13 of the DOCK7 gene. It is expected to disrupt RNA splicing. Variants that disrupt the donor or acceptor splice site typically lead to a loss of protein function (PMID: 16199547), and loss-of-function variants in DOCK7 are known to be pathogenic (PMID: 24814191). In summary, the currently available evidence indicates that the variant is pathogenic, but additional data are needed to prove that conclusively. Therefore, this variant has been classified as Likely Pathogenic.

Literature cited by the submitters: PubMed 16199547; PubMed 24814191.